The following is an entry in ClinVar:

NM_004958.4(MTOR):c.4959G>T (p.Trp1653Cys)

Gene: MTOR (mechanistic target of rapamycin kinase; minus strand). Cytogenetic location: 1p36.22.
Variant type: single nucleotide variant.
Coding change: c.4959G>T on transcript NM_004958.4 (MANE Select); coding-DNA position 4959, G replaced by T.
Protein change: p.Trp1653Cys; replaces tryptophan 1653 with cysteine.
Molecular consequence: missense variant.
Genome position (GRCh38, 1-based): chr1:11,139,572, C>A on the plus strand (G>T on the coding strand, the complement: MTOR is on the minus strand). VCF-style: chr1-11139572-C-A. GRCh37 (hg19) VCF-style: chr1-11199629-C-A.
Other names: c.4959G>T, p.Trp1653Cys (NM_001386500.1); c.3711G>T, p.Trp1237Cys (NM_001386501.1); short protein forms W1237C, W1653C.
Identifiers: ClinVar variation 4055765 (VCV004055765.2).

ClinVar aggregate classification (germline): Uncertain significance (1 of 4 stars; one submission).

gnomAD v4.1: 2 of 1,614,176 alleles (0.00012%); highest among the groups gnomAD compares: Non-Finnish European, 0.00017%; no homozygotes.

Submission:

GeneDx
Classification: Uncertain significance. Last evaluated: 2025-09-16. Review status: criteria provided, single submitter. Criteria: GeneDx Variant Classification Process June 2021. Collection method: clinical testing. Allele origin: germline.
Comment: Not observed at significant frequency in large population cohorts (gnomAD); In silico analysis supports that this missense variant has a deleterious effect on protein structure/function; Has not been previously published as pathogenic or benign to our knowledge